The following is an entry in ClinVar:

ClinVar aggregate classification (germline): Benign/Likely benign. Review status: criteria provided, multiple submitters, no conflicts (2 of 4 stars). 3 submissions from 3 submitters: Benign (1); Likely benign (2). Last evaluated 2025-05-30.

Conditions:
Hereditary cancer-predisposing syndrome. Also called: Neoplastic Syndromes, Hereditary; Tumor predisposition; Hereditary neoplastic syndrome; Hereditary Cancer Syndrome. Identifiers: Orphanet 140162, MedGen C0027672, MeSH D009386, MONDO:0015356.
Tuberous sclerosis 2 (TSC2). Identifiers: Orphanet 805, MedGen C1860707, MONDO:0013199, OMIM 613254.

Allele frequency attached by ClinVar (database versions not stated): gnomAD exomes below 0.00001; ExAC 0.00001.
gnomAD v4.1: 5 of 1,612,888 alleles (0.00031%); highest among the groups gnomAD compares: Non-Finnish European, 0.00042%; no homozygotes.

Submissions (3):

Myriad Genetics, Inc.
Classification: Benign for Tuberous sclerosis 2. Last evaluated: 2025-05-30. Review status: criteria provided, single submitter. Criteria: Myriad Autosomal Dominant, Autosomal Recessive and X-Linked Classification Criteria (2023). Collection method: clinical testing. Allele origin: unknown.
Comment: This variant is considered benign. This variant is a silent/synonymous amino acid change and it is not expected to impact splicing.

Labcorp Genetics (formerly Invitae), Labcorp
Classification: Likely benign for Tuberous sclerosis 2. Last evaluated: 2025-05-05. Review status: criteria provided, single submitter. Criteria: Invitae Variant Classification Sherloc (09022015). Collection method: clinical testing. Allele origin: germline.

Ambry Genetics
Classification: Likely benign for Hereditary cancer-predisposing syndrome. Last evaluated: 2024-06-17. Review status: criteria provided, single submitter. Criteria: Ambry Variant Classification Scheme 2023. Collection method: clinical testing. Allele origin: germline.

NM_000548.5(TSC2):c.3636G>A (p.Leu1212=)

Gene: TSC2 (TSC complex subunit 2; plus strand). Cytogenetic location: 16p13.3.
Variant type: single nucleotide variant.
Coding change: c.3636G>A on transcript NM_000548.5 (MANE Select); coding-DNA position 3636, G replaced by A.
Protein change: p.Leu1212=; no amino-acid change (leucine 1212 retained).
Molecular consequence: synonymous variant.
Genome position (GRCh38, 1-based): chr16:2,081,620, G>A. VCF-style: chr16-2081620-G-A. GRCh37 (hg19) VCF-style: chr16-2131621-G-A.
Other names: c.3636G>A (NM_000548.3); c.3504G>A, p.Leu1168= (NM_001077183.3, NM_001370404.1); c.3636G>A, p.Leu1212= (NM_001114382.3); c.3396G>A, p.Leu1132= (NM_001318827.2); c.3360G>A, p.Leu1120= (NM_001318829.2); c.2904G>A, p.Leu968= (NM_001318831.2); c.3537G>A, p.Leu1179= (NM_001318832.2); c.3507G>A, p.Leu1169= (NM_001363528.2, NM_001370405.1, NM_021055.3).
Identifiers: ClinVar variation 1551931 (VCV001551931.10), dbSNP rs778744545, ClinGen allele CA047901.